The following is an entry in ClinVar:

NM_003919.3(SGCE):c.56G>A (p.Gly19Asp)

Gene: SGCE (sarcoglycan epsilon; minus strand). Cytogenetic location: 7q21.3.
Variant type: single nucleotide variant.
Coding change: c.56G>A on transcript NM_003919.3 (MANE Select); coding-DNA position 56, G replaced by A.
Protein change: p.Gly19Asp; replaces glycine 19 with aspartic acid.
Molecular consequence: missense variant. On other transcripts: 5 prime UTR variant (4).
Genome position (GRCh38, 1-based): chr7:94,656,043, C>T on the plus strand (G>A on the coding strand, the complement: SGCE is on the minus strand). VCF-style: chr7-94656043-C-T. GRCh37 (hg19) VCF-style: chr7-94285355-C-T.
Other names: c.56G>A, p.Gly19Asp (NM_001099400.2, NM_001099401.2, NM_001301139.2 and 4 more transcripts); c.-202G>A (NM_001346719.2); c.-280G>A (NM_001346720.2, NM_001362808.2); c.-208G>A (NM_001362807.2); short protein forms G19D.
Identifiers: ClinVar variation 3899417 (VCV003899417.1).

ClinVar aggregate classification (germline): Uncertain significance (1 of 4 stars; one submission).

Submission:

GeneDx
Classification: Uncertain significance. Last evaluated: 2024-11-19. Review status: criteria provided, single submitter. Criteria: GeneDx Variant Classification Process June 2021. Collection method: clinical testing. Allele origin: germline. Affected: yes.
Comment: Not observed at significant frequency in large population cohorts (gnomAD); In silico analysis indicates that this missense variant does not alter protein structure/function; Has not been previously published as pathogenic or benign to our knowledge